The following is an entry in ClinVar:

NM_001018113.3(FANCB):c.1995C>T (p.Pro665=)

Gene: FANCB (FA complementation group B; minus strand). Cytogenetic location: Xp22.2.
Variant type: single nucleotide variant.
Coding change: c.1995C>T on transcript NM_001018113.3 (MANE Select); coding-DNA position 1995, C replaced by T.
Protein change: p.Pro665=; no amino-acid change (proline 665 retained).
Molecular consequence: synonymous variant.
Genome position (GRCh38, 1-based): chrX:14,844,673, G>A on the plus strand (C>T on the coding strand, the complement: FANCB is on the minus strand). VCF-style: chrX-14844673-G-A. GRCh37 (hg19) VCF-style: chrX-14862795-G-A.
Other names: c.1995C>T, p.Pro665= (NM_001324162.2, NM_152633.4); c.1995C>T (NM_001018113.2).
Identifiers: ClinVar variation 696274 (VCV000696274.15), dbSNP rs192743430, ClinGen allele CA10352978.

ClinVar aggregate classification (germline): Benign/Likely benign. Review status: criteria provided, multiple submitters, no conflicts (2 of 4 stars). 4 submissions from 4 submitters: Benign (1); Likely benign (2). 1 of the submissions does not count toward it. Last evaluated 2026-01-29.

Conditions:
FANCB-related disorder. Also called: FANCB-related condition.
Fanconi anemia (FA). Also called: Fanconi's anemia. Identifiers: Orphanet 84, MedGen C0015625, MeSH D005199, MONDO:0019391.
Fanconi anemia complementation group B (FANCB). Also called: FANCB-Related Fanconi Anemia; FANCONI PANCYTOPENIA, TYPE 2. Identifiers: Orphanet 84, MedGen C1845292, MONDO:0010351, OMIM 300514.
VACTERL association, X-linked, with or without hydrocephalus (VACTERLX). Also called: VACTERL-H, X-LINKED; VACTERL Association with Hydrocephalus, X-linked; X-linked VACTERL-H syndrome; VACTERL ASSOCIATION, X-LINKED. Identifiers: Orphanet 3412, MedGen C2931228, MONDO:0010752, OMIM 314390.

Allele frequency attached by ClinVar (database versions not stated): gnomAD exomes 0.00001 and 0.00003; ExAC 0.00003; gnomAD 0.00024 and 0.00025; TOPMed 0.00068; 1000 Genomes Project 0.00106; 1000 Genomes Project 30x 0.00166.
gnomAD v4.1: 50 of 1,208,872 alleles (0.0041%); highest among the groups gnomAD compares: Admixed American, 0.081%; no homozygotes.

Submissions (4):

Labcorp Genetics (formerly Invitae), Labcorp
Classification: Benign for Fanconi anemia. Last evaluated: 2026-01-29. Review status: criteria provided, single submitter. Criteria: Invitae Variant Classification Sherloc (09022015). Collection method: clinical testing. Allele origin: germline.

Sema4
Classification: Likely benign for Fanconi anemia. Last evaluated: 2022-01-22. Review status: criteria provided, single submitter. Criteria: Sema4 Curation Guidelines. Collection method: curation. Allele origin: germline.

Fulgent Genetics
Classification: Likely benign for Fanconi anemia complementation group B; VACTERL association, X-linked, with or without hydrocephalus. Last evaluated: 2021-12-22. Review status: criteria provided, single submitter. Criteria: ACMG Guidelines, 2015. Collection method: clinical testing. Allele origin: unknown.

PreventionGenetics, part of Exact Sciences
Classification: Likely benign for FANCB-related condition. Last evaluated: 2020-02-03. Review status: no assertion criteria provided. Collection method: clinical testing. Allele origin: germline. Not counted in ClinVar's aggregate classification.
Comment: This variant is classified as likely benign based on ACMG/AMP sequence variant interpretation guidelines (Richards et al. 2015 PMID: 25741868, with internal and published modifications).